The following is an entry in ClinVar:

ClinVar aggregate classification (germline): Pathogenic (1 of 4 stars; one submission).

Allele frequency attached by ClinVar (database versions not stated): TOPMed below 0.00001.

Submission:

Labcorp Genetics (formerly Invitae), Labcorp
Classification: Pathogenic. Last evaluated: 2021-06-02. Review status: criteria provided, single submitter. Criteria: Invitae Variant Classification Sherloc (09022015). Collection method: clinical testing. Allele origin: germline.
Comment: This variant disrupts the C-terminus of the WNT1 protein. Other variant(s) that disrupt this region (p.Cys330*) have been determined to be pathogenic (PMID: 23709755). This suggests that variants that disrupt this region of the protein are likely to be causative of disease. This variant has not been reported in the literature in individuals with WNT1-related conditions. For these reasons, this variant has been classified as Pathogenic. This sequence change creates a premature translational stop signal (p.Gly303*) in the WNT1 gene. While this is not anticipated to result in nonsense mediated decay, it is expected to disrupt the last 68 amino acid(s) of the WNT1 protein. This variant is not present in population databases (ExAC no frequency).

Literature cited by the submitters: PubMed 23709755.

NM_005430.4(WNT1):c.907G>T (p.Gly303Ter)

Gene: WNT1 (Wnt family member 1; plus strand). Cytogenetic location: 12q13.12.
Variant type: single nucleotide variant.
Coding change: c.907G>T on transcript NM_005430.4 (MANE Select); coding-DNA position 907, G replaced by T.
Protein change: p.Gly303Ter; replaces glycine 303 with a stop codon.
Molecular consequence: nonsense.
Genome position (GRCh38, 1-based): chr12:48,981,434, G>T. VCF-style: chr12-48981434-G-T. GRCh37 (hg19) VCF-style: chr12-49375217-G-T.
Other names: short protein forms G303*.
Identifiers: ClinVar variation 1427519 (VCV001427519.8), dbSNP rs1941012869, ClinGen allele CA384637116.
Genomic context (GRCh38, chr12:48,981,434, plus strand): 5'-CCGCCCTCCCCCCACGACCTCGTCTACTTCGAGAAATCGCCCAACTTCTGCACGTACAGC[G>T]GACGCCTGGGCACAGCAGGCACGGCAGGGCGCGCCTGTAACAGCTCGTCGCCCGCGCTGG-3'